The following is an entry in ClinVar:

ClinVar aggregate classification (germline): Uncertain significance (1 of 4 stars; one submission).

Submission:

Labcorp Genetics (formerly Invitae), Labcorp
Classification: Uncertain significance. Last evaluated: 2024-12-20. Review status: criteria provided, single submitter. Criteria: Invitae Variant Classification Sherloc (09022015). Collection method: clinical testing. Allele origin: germline.
Comment: This sequence change replaces isoleucine, which is neutral and non-polar, with valine, which is neutral and non-polar, at codon 248 of the CFD protein (p.Ile248Val). This variant is not present in population databases (gnomAD no frequency). This variant has not been reported in the literature in individuals affected with CFD-related conditions. An algorithm developed to predict the effect of missense changes on protein structure and function (PolyPhen-2) suggests that this variant is likely to be disruptive. In summary, the available evidence is currently insufficient to determine the role of this variant in disease. Therefore, it has been classified as a Variant of Uncertain Significance.

NM_001928.4(CFD):c.742A>G (p.Ile248Val)

Gene: CFD (complement factor D; plus strand). Cytogenetic location: 19p13.3.
Variant type: single nucleotide variant.
Coding change: c.742A>G on transcript NM_001928.4 (MANE Select); coding-DNA position 742, A replaced by G.
Protein change: p.Ile248Val; replaces isoleucine 248 with valine.
Molecular consequence: missense variant.
Genome position (GRCh38, 1-based): chr19:863,218, A>G. VCF-style: chr19-863218-A-G. GRCh37 (hg19) VCF-style: chr19-863218-A-G.
Other names: c.763A>G, p.Ile255Val (NM_001317335.2); short protein forms I248V, I255V.
Identifiers: ClinVar variation 3682833 (VCV003682833.2).
Genomic context (GRCh38, chr19:863,218, plus strand): 5'-GTTTGCGGCAACCGCAAGAAGCCCGGGATCTACACCCGCGTGGCGAGCTATGCGGCCTGG[A>G]TCGACAGCGTCCTGGCCTAGGGTGCCGGGGCCTGAAGGTCAGGGTCACCCAAGCAACAAA-3'
Protein context (NP_001919.2, residues 238-253): YTRVASYAAW[Ile248Val]DSVLA